The following is an entry in ClinVar:

ClinVar aggregate classification (germline): Uncertain significance (1 of 4 stars; one submission).

Allele frequency attached by ClinVar (database versions not stated): gnomAD exomes below 0.00001 and 0.00001; ExAC 0.00001; TOPMed 0.00001.

Submission:

Labcorp Genetics (formerly Invitae), Labcorp
Classification: Uncertain significance. Last evaluated: 2022-10-13. Review status: criteria provided, single submitter. Criteria: Invitae Variant Classification Sherloc (09022015). Collection method: clinical testing. Allele origin: germline.
Comment: This sequence change replaces cysteine, which is neutral and slightly polar, with glycine, which is neutral and non-polar, at codon 608 of the TONSL protein (p.Cys608Gly). This variant is present in population databases (rs746801533, gnomAD 0.0009%). This variant has not been reported in the literature in individuals affected with TONSL-related conditions. ClinVar contains an entry for this variant (Variation ID: 1424856). Advanced modeling of protein sequence and biophysical properties (such as structural, functional, and spatial information, amino acid conservation, physicochemical variation, residue mobility, and thermodynamic stability) performed at Invitae indicates that this missense variant is expected to disrupt TONSL protein function. In summary, the available evidence is currently insufficient to determine the role of this variant in disease. Therefore, it has been classified as a Variant of Uncertain Significance.

NM_013432.5(TONSL):c.1822T>G (p.Cys608Gly)

Genes: TONSL (tonsoku like, DNA repair protein; minus strand), TONSL-AS1 (TONSL antisense RNA 1; plus strand). Cytogenetic location: 8q24.3.
Variant type: single nucleotide variant.
Coding change: c.1822T>G on transcript NM_013432.5 (MANE Select); coding-DNA position 1822, T replaced by G.
Protein change: p.Cys608Gly; replaces cysteine 608 with glycine.
Molecular consequence: missense variant. On other transcripts: non-coding transcript variant (1).
Genome position (GRCh38, 1-based): chr8:144,436,825, A>C on the plus strand (T>G on the coding strand, the complement: TONSL is on the minus strand). VCF-style: chr8-144436825-A-C. GRCh37 (hg19) VCF-style: chr8-145662208-A-C.
Other names: short protein forms C608G.
Identifiers: ClinVar variation 1424856 (VCV001424856.3), dbSNP rs746801533, ClinGen allele CA4943041.
Genomic context (GRCh38, chr8:144,436,825, plus strand): 5'-TGCGGAGGGTGACGGACGCCCCCCGTTCAAGCAGCAGCTCAGCCACCTCGAAGTGGCCAC[A>C]GTTGAGGGCATCGTGGAGGGGGGTGATGCCTTCGCAGCCCTGGCCACCTGGGTCGTCCAC-3'
Protein context (NP_038460.4, residues 598-618): GITPLHDALN[Cys608Gly]GHFEVAELLL